The following is an entry in ClinVar:

ClinVar aggregate classification (germline): Uncertain significance (1 of 4 stars; one submission).

Conditions:
Heterotopia, periventricular, X-linked dominant (PVNH1). Also called: PERIVENTRICULAR NODULAR HETEROTOPIA 4; HETEROTOPIA, PERIVENTRICULAR, 1; PERIVENTRICULAR NODULAR HETEROTOPIA 1; X-linked periventricular heterotopia. Identifiers: Orphanet 2149, Orphanet 82004, MedGen C1848213, MONDO:0010233, OMIM 300049.
Oto-palato-digital syndrome, type II (OPD2). Also called: Otopalatodigital Syndrome, Type II; Otopalatodigital Syndrome Type 2 (FLNA-OPD2); FACIOPALATOOSSEOUS SYNDROME; OPD II SYNDROME. Identifiers: Orphanet 669, Orphanet 90652, MedGen C1844696, MONDO:0010571, OMIM 304120.
Melnick-Needles syndrome (MNS). Also called: Melnick-Needles Syndrome (FLNA-MNS); MELNICK-NEEDLES OSTEODYSPLASTY; OSTEODYSPLASTY OF MELNICK AND NEEDLES. Identifiers: Orphanet 2484, MedGen C0025237, MONDO:0010650, OMIM 309350.
Frontometaphyseal dysplasia (FMD1). Identifiers: Orphanet 1826, MedGen C0265293, MONDO:0015942.

Submission:

Labcorp Genetics (formerly Invitae), Labcorp
Classification: Uncertain significance for Oto-palato-digital syndrome, type II; Heterotopia, periventricular, X-linked dominant; Frontometaphyseal dysplasia; Melnick-Needles syndrome. Last evaluated: 2023-09-21. Review status: criteria provided, single submitter. Criteria: Invitae Variant Classification Sherloc (09022015). Collection method: clinical testing. Allele origin: germline.
Comment: In summary, the available evidence is currently insufficient to determine the role of this variant in disease. Therefore, it has been classified as a Variant of Uncertain Significance. Algorithms developed to predict the effect of sequence changes on RNA splicing suggest that this variant may create or strengthen a splice site. An algorithm developed to predict the effect of missense changes on protein structure and function (PolyPhen-2) suggests that this variant is likely to be disruptive. ClinVar contains an entry for this variant (Variation ID: 952925). This variant has not been reported in the literature in individuals affected with FLNA-related conditions. This variant is not present in population databases (gnomAD no frequency). This sequence change replaces glutamic acid, which is acidic and polar, with lysine, which is basic and polar, at codon 2334 of the FLNA protein (p.Glu2334Lys).

NM_001110556.2(FLNA):c.7024G>A (p.Glu2342Lys)

Gene: FLNA (filamin A; minus strand). Cytogenetic location: Xq28.
Variant type: single nucleotide variant.
Coding change: c.7024G>A on transcript NM_001110556.2 (MANE Select); coding-DNA position 7024, G replaced by A.
Protein change: p.Glu2342Lys; replaces glutamic acid 2342 with lysine.
Molecular consequence: missense variant.
Genome position (GRCh38, 1-based): chrX:154,351,041, C>T on the plus strand (G>A on the coding strand, the complement: FLNA is on the minus strand). VCF-style: chrX-154351041-C-T. GRCh37 (hg19) VCF-style: chrX-153579409-C-T.
Other names: c.7000G>A, p.Glu2334Lys (NM_001456.4); short protein forms E2342K, E2334K.
Identifiers: ClinVar variation 952925 (VCV000952925.10), dbSNP rs2067614826, ClinGen allele CA415185363.